The following is an entry in ClinVar:

NM_000135.4(FANCA):c.2239G>T (p.Ala747Ser)

Gene: FANCA (FA complementation group A; minus strand). Cytogenetic location: 16q24.3.
Variant type: single nucleotide variant.
Coding change: c.2239G>T on transcript NM_000135.4 (MANE Select); coding-DNA position 2239, G replaced by T.
Protein change: p.Ala747Ser; replaces alanine 747 with serine.
Molecular consequence: missense variant.
Genome position (GRCh38, 1-based): chr16:89,770,243, C>A on the plus strand (G>T on the coding strand, the complement: FANCA is on the minus strand). VCF-style: chr16-89770243-C-A. GRCh37 (hg19) VCF-style: chr16-89836651-C-A.
Other names: c.2239G>T, p.Ala747Ser (NM_001286167.3); short protein forms A747S.
Identifiers: ClinVar variation 1040351 (VCV001040351.9), dbSNP rs931143821, ClinGen allele CA286564992.
Genomic context (GRCh38, chr16:89,770,243, plus strand): 5'-GGCAGAGCCGGGTGAGCACTGCAGGGAGCACACGTCCACACATGGTCCTCACGAAGAGGG[C>A]AGCCCAGGGACCCTGCCTGCAGAGACAGCCGTGAAACCATCAGTACTAGCCATTCAGTCC-3'
Protein context (NP_000126.2, residues 737-757): APPERQGPWA[Ala747Ser]LFVRTMCGRV

ClinVar aggregate classification (germline): Uncertain significance. Review status: criteria provided, single submitter (1 of 4 stars). 2 submissions from 2 submitters: Uncertain significance (1). 1 of the submissions does not count toward it. Last evaluated 2021-09-01.

Conditions:
Fanconi anemia (FA). Also called: Fanconi's anemia. Identifiers: Orphanet 84, MedGen C0015625, MeSH D005199, MONDO:0019391.

Allele frequency attached by ClinVar (database versions not stated): gnomAD 0.00001 and 0.00002; gnomAD exomes 0.00001; TOPMed 0.00003.
gnomAD v4.1: 21 of 1,581,530 alleles (0.0013%); highest among the groups gnomAD compares: African/African-American, 0.0027%; no homozygotes.

Submissions (2):

Labcorp Genetics (formerly Invitae), Labcorp
Classification: Uncertain significance for Fanconi anemia. Last evaluated: 2021-09-01. Review status: criteria provided, single submitter. Criteria: Invitae Variant Classification Sherloc (09022015). Collection method: clinical testing. Allele origin: germline.
Comment: This sequence change replaces alanine with serine at codon 747 of the FANCA protein (p.Ala747Ser). The alanine residue is weakly conserved and there is a moderate physicochemical difference between alanine and serine. This variant is not present in population databases (ExAC no frequency). This variant has not been reported in the literature in individuals affected with FANCA-related conditions. Algorithms developed to predict the effect of missense changes on protein structure and function output the following: SIFT: "Tolerated"; PolyPhen-2: "Benign"; Align-GVGD: "Class C0". The serine amino acid residue is found in multiple mammalian species, which suggests that this missense change does not adversely affect protein function. In summary, the available evidence is currently insufficient to determine the role of this variant in disease. Therefore, it has been classified as a Variant of Uncertain Significance.

Natera, Inc.
Classification: Uncertain significance for Fanconi anemia. Last evaluated: 2021-03-17. Review status: no assertion criteria provided. Collection method: clinical testing. Allele origin: germline. Not counted in ClinVar's aggregate classification.